The following is an entry in ClinVar:

ClinVar aggregate classification (germline): Likely benign. Review status: criteria provided, multiple submitters, no conflicts (2 of 4 stars). 4 submissions from 4 submitters: Likely benign (4). Last evaluated 2026-06-30.

Conditions:
Charcot-Marie-Tooth disease type 2R. Also called: CHARCOT-MARIE-TOOTH NEUROPATHY, TYPE 2R; CHARCOT-MARIE-TOOTH DISEASE, AXONAL, AUTOSOMAL RECESSIVE, TYPE 2R; Charcot-Marie-Tooth disease, axonal, type 2R. Identifiers: Orphanet 397968, MedGen C3809655, MONDO:0014208, OMIM 615490.

Allele frequency attached by ClinVar (database versions not stated): gnomAD exomes 0.00011 and 0.00021; TOPMed 0.00014; ESP Exome Variant Server 0.00015; gnomAD 0.00016 and 0.00018; ExAC 0.00035; 1000 Genomes Project 0.00060; 1000 Genomes Project 30x 0.00094.
gnomAD v4.1: 192 of 1,614,132 alleles (0.012%); highest among the groups gnomAD compares: African/African-American, 0.021%; no homozygotes.

Submissions (4):

Women's Health and Genetics/Laboratory Corporation of America, LabCorp
Classification: Likely benign. Last evaluated: 2026-06-30. Review status: criteria provided, single submitter. Criteria: LabCorp Variant Classification Summary - May 2015. Collection method: clinical testing. Allele origin: germline.

Labcorp Genetics (formerly Invitae), Labcorp
Classification: Likely benign for Charcot-Marie-Tooth disease type 2R. Last evaluated: 2025-12-30. Review status: criteria provided, single submitter. Criteria: Invitae Variant Classification Sherloc (09022015). Collection method: clinical testing. Allele origin: germline.

Mayo Clinic Laboratories, Mayo Clinic
Classification: Likely benign. Last evaluated: 2025-07-16. Review status: criteria provided, single submitter. Criteria: ACMG Guidelines, 2015. Collection method: clinical testing. Allele origin: germline. Observed: 2 variant alleles.
Comment: BP4, BP7

Blueprint Genetics
Classification: Likely benign. Last evaluated: 2024-05-09. Review status: criteria provided, single submitter. Criteria: ACMG Guidelines, 2015. Collection method: clinical testing. Allele origin: germline.

NM_015271.5(TRIM2):c.969C>T (p.Asn323=)

Gene: TRIM2 (tripartite motif containing 2; plus strand). Cytogenetic location: 4q31.3.
Variant type: single nucleotide variant.
Coding change: c.969C>T on transcript NM_015271.5 (MANE Select); coding-DNA position 969, C replaced by T.
Protein change: p.Asn323=; no amino-acid change (asparagine 323 retained).
Molecular consequence: synonymous variant.
Genome position (GRCh38, 1-based): chr4:153,295,495, C>T. VCF-style: chr4-153295495-C-T. GRCh37 (hg19) VCF-style: chr4-154216647-C-T.
Other names: p.Asn296=; c.888C>T, p.Asn296= (NM_001130067.2, NM_001351056.2); c.942C>T, p.Asn314= (NM_001351054.2); c.939C>T, p.Asn313= (NM_001351055.2); c.513C>T, p.Asn171= (NM_001351057.2).
Identifiers: ClinVar variation 474618 (VCV000474618.15), dbSNP rs116365246, ClinGen allele CA3108664.